The following is an entry in ClinVar:

NM_000540.3(RYR1):c.9582G>A (p.Leu3194=)

Gene: RYR1 (ryanodine receptor 1; plus strand). Cytogenetic location: 19q13.2.
Variant type: single nucleotide variant.
Coding change: c.9582G>A on transcript NM_000540.3 (MANE Select); coding-DNA position 9582, G replaced by A.
Protein change: p.Leu3194=; no amino-acid change (leucine 3194 retained).
Molecular consequence: synonymous variant.
Genome position (GRCh38, 1-based): chr19:38,516,114, G>A. VCF-style: chr19-38516114-G-A. GRCh37 (hg19) VCF-style: chr19-39006754-G-A.
Other names: c.9582G>A, p.Leu3194= (NM_001042723.2).
Identifiers: ClinVar variation 3020161 (VCV003020161.4), dbSNP rs1016150718, ClinGen allele CA308128885.

ClinVar aggregate classification (germline): Likely benign. Review status: criteria provided, multiple submitters, no conflicts (2 of 4 stars). 2 submissions from 2 submitters: Likely benign (2). Last evaluated 2024-07-10.

Conditions:
Malignant hyperthermia, susceptibility to, 1 (MHS1). Also called: Anesthesia related hyperthermia; Malignant hyperpyrexia; Fulminating hyperpyrexia; Pharmacogenic myopathy; RYR1-Related Malignant Hyperthermia Susceptibility; Malignant hyperthermia suceptibility 1. Identifiers: Orphanet 423, MedGen C2930980, MONDO:0007783, OMIM 145600.
RYR1-related disorder. Also called: RYR1-related disorders; RYR1-related condition. Identifiers: MedGen CN239331.

Allele frequency attached by ClinVar (database versions not stated): gnomAD 0.00001; gnomAD exomes 0.00001.
gnomAD v4.1: 5 of 1,549,610 alleles (0.00032%); highest among the groups gnomAD compares: Non-Finnish European, 0.00044%; no homozygotes.

Submissions (2):

All of Us Research Program, National Institutes of Health
Classification: Likely benign for Malignant hyperthermia, susceptibility to, 1. Last evaluated: 2024-07-10. Review status: criteria provided, single submitter. Criteria: ACMG Guidelines, 2015. Collection method: clinical testing. Allele origin: germline. Inheritance: Autosomal dominant inheritance. Observed: 1 variant allele, 1 heterozygote.
Comment: This study involves interpretation of variants in research participants for the purpose of population health screening. Participant phenotype was not available at the time of variant classification. Additional details can be found in publication PMID: 35346344, PMCID: PMC8962531

Labcorp Genetics (formerly Invitae), Labcorp
Classification: Likely benign for RYR1-related disorder. Last evaluated: 2023-11-21. Review status: criteria provided, single submitter. Criteria: Invitae Variant Classification Sherloc (09022015). Collection method: clinical testing. Allele origin: germline.